The following is an entry in ClinVar:

ClinVar aggregate classification (germline): Benign/Likely benign. Review status: criteria provided, multiple submitters, no conflicts (2 of 4 stars). 7 submissions from 7 submitters: Benign (5); Likely benign (2). Last evaluated 2026-02-04.

Conditions:
Iron-refractory iron deficiency anemia (IRIDA). Also called: ANEMIA, HYPOCHROMIC MICROCYTIC, WITH DEFECT IN IRON METABOLISM; IRON-HANDLING DISORDER, HEREDITARY; PSEUDO-IRON-DEFICIENCY ANEMIA; IRIDA syndrome. Identifiers: Orphanet 209981, MedGen C0085576, MONDO:0008788, OMIM 206200. Disease mechanism: loss of function.
Microcytic anemia. Identifiers: MedGen C5194182, MONDO:0001245, HP:0001935. Disease mechanism: loss of function.

Allele frequency attached by ClinVar (database versions not stated): gnomAD exomes 0.38153 and 0.38903; 1000 Genomes Project 0.39038; 1000 Genomes Project 30x 0.39085; TOPMed 0.39469; ESP Exome Variant Server 0.39617; gnomAD 0.39758 and 0.39823; ExAC 0.39793.
gnomAD v4.1: 628,033 of 1,611,216 alleles (39%); highest among the groups gnomAD compares: East Asian, 44%; 123,383 homozygotes.

Submissions (7):

Labcorp Genetics (formerly Invitae), Labcorp
Classification: Benign. Last evaluated: 2026-02-04. Review status: criteria provided, single submitter. Criteria: Invitae Variant Classification Sherloc (09022015). Collection method: clinical testing. Allele origin: germline.

Mayo Clinic Laboratories, Mayo Clinic
Classification: Likely benign. Last evaluated: 2025-11-24. Review status: criteria provided, single submitter. Criteria: ACMG Guidelines, 2015. Collection method: clinical testing. Allele origin: germline. Observed: 515 variant alleles.

Blueprint Genetics
Classification: Likely benign. Last evaluated: 2024-11-28. Review status: criteria provided, single submitter. Criteria: ACMG Guidelines, 2015. Collection method: clinical testing. Allele origin: germline.

Genome-Nilou Lab
Classification: Benign for Iron-refractory iron deficiency anemia. Last evaluated: 2021-09-10. Review status: criteria provided, single submitter. Criteria: ACMG Guidelines, 2015. Collection method: clinical testing. Allele origin: germline. Affected: no.

Illumina Laboratory Services, Illumina
Classification: Benign for Iron-refractory iron deficiency anemia. Last evaluated: 2018-03-06. Review status: criteria provided, single submitter. Criteria: ICSL Variant Classification Criteria 13 December 2019. Collection method: clinical testing. Allele origin: germline.
Comment: This variant was observed in the ICSL laboratory as part of a predisposition screen in an ostensibly healthy population. It had not been previously curated by ICSL or reported in the Human Gene Mutation Database (HGMD: prior to June 1st, 2018), and was therefore a candidate for classification through an automated scoring system. Utilizing variant allele frequency, disease prevalence and penetrance estimates, and inheritance mode, an automated score was calculated to assess if this variant is too frequent to cause the disease. Based on the score and internal cut-off values, a variant classified as benign is not then subjected to further curation. The score for this variant resulted in a classification of benign for this disease.

Breakthrough Genomics
Classification: Benign. Review status: criteria provided, single submitter. Criteria: ACMG Guidelines, 2015. Collection method: not provided. Allele origin: germline. Inheritance: Autosomal recessive inheritance. Affected: yes.

PreventionGenetics, part of Exact Sciences
Classification: Benign. Review status: criteria provided, single submitter. Criteria: ACMG Guidelines, 2015. Collection method: clinical testing. Allele origin: germline.

Literature cited by the submitters: PubMed 38341535 (cited by Mayo Clinic Laboratories, Mayo Clinic).

NM_001374504.1(TMPRSS6):c.730A>G (p.Lys244Glu)

Gene: TMPRSS6 (transmembrane serine protease 6; minus strand). Cytogenetic location: 22q12.3.
Variant type: single nucleotide variant.
Coding change: c.730A>G on transcript NM_001374504.1 (MANE Select); coding-DNA position 730, A replaced by G.
Protein change: p.Lys244Glu; replaces lysine 244 with glutamic acid.
Molecular consequence: missense variant.
Genome position (GRCh38, 1-based): chr22:37,089,684, T>C on the plus strand (A>G on the coding strand, the complement: TMPRSS6 is on the minus strand). VCF-style: chr22-37089684-T-C. GRCh37 (hg19) VCF-style: chr22-37485724-T-C.
Other names: c.730A>G, p.Lys244Glu (NM_001289000.2, NM_001289001.2, NM_153609.4); short protein forms K253E, K244E.
Identifiers: ClinVar variation 262728 (VCV000262728.19), dbSNP rs2235324, ClinGen allele CA10215927.